The following is an entry in ClinVar:

NM_015375.3(DSTYK):c.35C>T (p.Pro12Leu)

Gene: DSTYK (dual serine/threonine and tyrosine protein kinase; minus strand). Cytogenetic location: 1q32.1.
Variant type: single nucleotide variant.
Coding change: c.35C>T on transcript NM_015375.3 (MANE Select); coding-DNA position 35, C replaced by T.
Protein change: p.Pro12Leu; replaces proline 12 with leucine.
Molecular consequence: missense variant.
Genome position (GRCh38, 1-based): chr1:205,211,501, G>A on the plus strand (C>T on the coding strand, the complement: DSTYK is on the minus strand). VCF-style: chr1-205211501-G-A. GRCh37 (hg19) VCF-style: chr1-205180629-G-A.
Other names: c.35C>T, p.Pro12Leu (NM_199462.3); short protein forms P12L.
Identifiers: ClinVar variation 2072202 (VCV002072202.5), dbSNP rs757115952, ClinGen allele CA1353155.

ClinVar aggregate classification (germline): Uncertain significance. Review status: criteria provided, multiple submitters, no conflicts (2 of 4 stars). 2 submissions from 2 submitters: Uncertain significance (2). Last evaluated 2025-12-16.

Allele frequency attached by ClinVar (database versions not stated): TOPMed 0.00005; gnomAD 0.00006; ExAC 0.00018.
gnomAD v4.1: 106 of 1,574,070 alleles (0.0067%); highest among the groups gnomAD compares: Middle Eastern, 0.12%; no homozygotes.

Submissions (2):

Labcorp Genetics (formerly Invitae), Labcorp
Classification: Uncertain significance. Last evaluated: 2025-12-16. Review status: criteria provided, single submitter. Criteria: Invitae Variant Classification Sherloc (09022015). Collection method: clinical testing. Allele origin: germline.
Comment: This sequence change replaces proline, which is neutral and non-polar, with leucine, which is neutral and non-polar, at codon 12 of the DSTYK protein (p.Pro12Leu). This variant is present in population databases (rs757115952, gnomAD 0.01%). This variant has not been reported in the literature in individuals affected with DSTYK-related conditions. ClinVar contains an entry for this variant (Variation ID: 2072202). An algorithm developed to predict the effect of missense changes on protein structure and function (PolyPhen-2) suggests that this variant is likely to be disruptive. In summary, the available evidence is currently insufficient to determine the role of this variant in disease. Therefore, it has been classified as a Variant of Uncertain Significance.

Ambry Genetics
Classification: Uncertain significance. Last evaluated: 2021-07-21. Review status: criteria provided, single submitter. Criteria: Ambry Variant Classification Scheme 2023. Collection method: clinical testing. Allele origin: germline.